The following is an entry in ClinVar:

NM_001033855.3(DCLRE1C):c.1265C>T (p.Ser422Leu)

Gene: DCLRE1C (DNA cross-link repair 1C; minus strand). Cytogenetic location: 10p13.
Variant type: single nucleotide variant.
Coding change: c.1265C>T on transcript NM_001033855.3 (MANE Select); coding-DNA position 1265, C replaced by T.
Protein change: p.Ser422Leu; replaces serine 422 with leucine.
Molecular consequence: missense variant. On other transcripts: non-coding transcript variant (4).
Genome position (GRCh38, 1-based): chr10:14,909,222, G>A on the plus strand (C>T on the coding strand, the complement: DCLRE1C is on the minus strand). VCF-style: chr10-14909222-G-A. GRCh37 (hg19) VCF-style: chr10-14951221-G-A.
Other names: c.920C>T, p.Ser307Leu (NM_001350966.2, NM_022487.4, NM_001289076.2 and 1 more transcripts); c.905C>T, p.Ser302Leu (NM_001350967.2, NM_001033857.3, NM_001033858.3 and 2 more transcripts); c.1265C>T, p.Ser422Leu (NM_001350965.2); short protein forms S302L, S422L, S307L.
Identifiers: ClinVar variation 1422260 (VCV001422260.6), dbSNP rs1354336544, ClinGen allele CA376076434.
Genomic context (GRCh38, chr10:14,909,222, plus strand): 5'-TGCATACACTCTGCTCTGCAGCATCCTGGGGTTTGTCTCAGTTTTTCAGGCTGCTTTTCT[G>A]ATACTGCAGTCATTGAAAATACCTCAGGGTGAAAAGTTTCCGGGTATGGAACTTTGTGCC-3'
Protein context (NP_001029027.1, residues 412-432): HPEVFSMTAV[Ser422Leu]EKQPEKLRQT

ClinVar aggregate classification (germline): Uncertain significance (1 of 4 stars; one submission).

Conditions:
Severe combined immunodeficiency due to DCLRE1C deficiency (RS-SCID). Also called: SCID, AUTOSOMAL RECESSIVE, T CELL-NEGATIVE, B CELL-NEGATIVE, NK CELL-POSITIVE, WITH SENSITIVITY TO IONIZING RADIATION. Identifiers: Orphanet 275, MedGen C1865371, MONDO:0011225, OMIM 602450.

Allele frequency attached by ClinVar (database versions not stated): gnomAD 0.00001; TOPMed below 0.00001.
gnomAD v4.1: 5 of 1,613,858 alleles (0.00031%); highest among the groups gnomAD compares: Admixed American, 0.0083%; no homozygotes.

Submission:

Labcorp Genetics (formerly Invitae), Labcorp
Classification: Uncertain significance for Athabaskan severe combined immunodeficiency. Last evaluated: 2024-06-20. Review status: criteria provided, single submitter. Criteria: Invitae Variant Classification Sherloc (09022015). Collection method: clinical testing. Allele origin: germline.
Comment: This sequence change replaces serine, which is neutral and polar, with leucine, which is neutral and non-polar, at codon 422 of the DCLRE1C protein (p.Ser422Leu). This variant is present in population databases (no rsID available, gnomAD 0.003%). This variant has not been reported in the literature in individuals affected with DCLRE1C-related conditions. ClinVar contains an entry for this variant (Variation ID: 1422260). An algorithm developed to predict the effect of missense changes on protein structure and function (PolyPhen-2) suggests that this variant¬†is likely to be tolerated. In summary, the available evidence is currently insufficient to determine the role of this variant in disease. Therefore, it has been classified as a Variant of Uncertain Significance.